The following is an entry in ClinVar:

NM_000435.3(NOTCH3):c.4227C>T (p.Gly1409=)

Genes: NOTCH3 (notch receptor 3; minus strand), LOC130063807 (ATAC-STARR-seq lymphoblastoid silent region 10267; plus strand). Cytogenetic location: 19p13.12.
Variant type: single nucleotide variant.
Coding change: c.4227C>T on transcript NM_000435.3 (MANE Select); coding-DNA position 4227, C replaced by T.
Protein change: p.Gly1409=; no amino-acid change (glycine 1409 retained).
Molecular consequence: synonymous variant.
Genome position (GRCh38, 1-based): chr19:15,177,701, G>A on the plus strand (C>T on the coding strand, the complement: NOTCH3 is on the minus strand). VCF-style: chr19-15177701-G-A. GRCh37 (hg19) VCF-style: chr19-15288512-G-A.
Identifiers: ClinVar variation 889616 (VCV000889616.33), dbSNP rs1014371988, ClinGen allele CA305768887.

ClinVar aggregate classification (germline): Conflicting classifications of pathogenicity. Review status: criteria provided, conflicting classifications (1 of 4 stars). 3 submissions from 3 submitters: Uncertain significance (1); Likely benign (2). Last evaluated 2023-12-01.

Conditions:
Cerebral arteriopathy, autosomal dominant, with subcortical infarcts and leukoencephalopathy, type 1 (CADASIL1). Also called: CADASIL 1; DEMENTIA, HEREDITARY MULTIINFARCT TYPE; CASIL; Cerebral arteriopathy with subcortical infarcts and leukoencephalopathy 1. Identifiers: Orphanet 136, MedGen C4551768, MONDO:0000914, OMIM 125310.

Allele frequency attached by ClinVar (database versions not stated): gnomAD exomes below 0.00001; TOPMed below 0.00001.
gnomAD v4.1: 6 of 1,539,282 alleles (0.00039%); highest among the groups gnomAD compares: Non-Finnish European, 0.00052%; no homozygotes.

Submissions (3):

CeGaT Center for Human Genetics Tuebingen
Classification: Likely benign. Last evaluated: 2023-12-01. Review status: criteria provided, single submitter. Criteria: CeGaT Center For Human Genetics Tuebingen Variant Classification Criteria Version 2. Collection method: clinical testing. Allele origin: germline. Affected: yes. Observed: 1 variant allele.
Comment: NOTCH3: PM2:Supporting, BP4, BP7

Labcorp Genetics (formerly Invitae), Labcorp
Classification: Likely benign. Last evaluated: 2021-10-25. Review status: criteria provided, single submitter. Criteria: Invitae Variant Classification Sherloc (09022015). Collection method: clinical testing. Allele origin: germline.

Illumina Laboratory Services, Illumina
Classification: Uncertain significance for Cerebral arteriopathy, autosomal dominant, with subcortical infarcts and leukoencephalopathy, type 1. Last evaluated: 2018-01-12. Review status: criteria provided, single submitter. Criteria: ICSL Variant Classification Criteria 13 December 2019. Collection method: clinical testing. Allele origin: germline.